The following is an entry in ClinVar:

ClinVar aggregate classification (germline): Uncertain significance (1 of 4 stars; one submission).

Submission:

Ambry Genetics
Classification: Uncertain significance. Last evaluated: 2025-01-25. Review status: criteria provided, single submitter. Criteria: Ambry Variant Classification Scheme 2023. Collection method: clinical testing. Allele origin: germline.
Comment: The p.Q25E variant (also known as c.73C>G), located in coding exon 1 of the PALLD gene, results from a C to G substitution at nucleotide position 73. The glutamine at codon 25 is replaced by glutamic acid, an amino acid with highly similar properties. This amino acid position is conserved. In addition, this alteration is predicted to be tolerated by in silico analysis. Based on the available evidence, the clinical significance of this variant remains unclear.

NM_001166108.2(PALLD):c.1965-12958C>G

Gene: PALLD (palladin, cytoskeletal associated protein; plus strand). Cytogenetic location: 4q32.3.
Variant type: single nucleotide variant.
Coding change: c.1965-12958C>G on transcript NM_001166108.2 (MANE Select); 12958 bases into the intron before coding-DNA position 1965, C replaced by G.
Molecular consequence: intron variant. On other transcripts: missense variant (1).
Genome position (GRCh38, 1-based): chr4:168,877,964, C>G. VCF-style: chr4-168877964-C-G. GRCh37 (hg19) VCF-style: chr4-169799115-C-G.
Other names: c.73C>G, p.Gln25Glu (NM_001166110.2); c.1965-12958C>G (NM_016081.4); c.819-12958C>G (NM_001166109.2); c.-157-12958C>G (NM_001367570.1, NM_001367568.1, NM_001367567.1 and 1 more transcripts); short protein forms Q25E.
Identifiers: ClinVar variation 3885318 (VCV003885318.1).